The following is an entry in ClinVar:

NM_001291303.3(FAT4):c.14756T>C (p.Leu4919Pro)

Gene: FAT4 (FAT atypical cadherin 4; plus strand). Cytogenetic location: 4q28.1.
Variant type: single nucleotide variant.
Coding change: c.14756T>C on transcript NM_001291303.3 (MANE Select); coding-DNA position 14756, T replaced by C.
Protein change: p.Leu4919Pro; replaces leucine 4919 with proline.
Molecular consequence: missense variant.
Genome position (GRCh38, 1-based): chr4:125,491,572, T>C. VCF-style: chr4-125491572-T-C. GRCh37 (hg19) VCF-style: chr4-126412727-T-C.
Other names: c.14753T>C, p.Leu4918Pro (NM_001291285.3); c.14750T>C, p.Leu4917Pro (NM_024582.6); c.14750T>C (NM_024582.4); short protein forms L4919P, L4917P, L4918P.
Identifiers: ClinVar variation 2078592 (VCV002078592.3), dbSNP rs140963523, ClinGen allele CA3074619.

ClinVar aggregate classification (germline): Uncertain significance. Review status: criteria provided, multiple submitters, no conflicts (2 of 4 stars). 3 submissions from 3 submitters: Uncertain significance (3). Last evaluated 2024-08-20.

Conditions:
Inborn genetic diseases. Identifiers: MedGen C0950123, MeSH D030342.
Hennekam lymphangiectasia-lymphedema syndrome 2 (HKLLS2). Identifiers: Orphanet 2136, MedGen C4014939, MONDO:0014454, OMIM 616006.

Allele frequency attached by ClinVar (database versions not stated): ExAC 0.00004; gnomAD 0.00005; TOPMed 0.00005; gnomAD exomes 0.00007; ESP Exome Variant Server 0.00015.
gnomAD v4.1: 121 of 1,614,054 alleles (0.0075%); highest among the groups gnomAD compares: Non-Finnish European, 0.0092%; no homozygotes.

Submissions (3):

Ambry Genetics
Classification: Uncertain significance for Inborn genetic diseases. Last evaluated: 2024-08-20. Review status: criteria provided, single submitter. Criteria: Ambry Variant Classification Scheme 2023. Collection method: clinical testing. Allele origin: germline.

Clinical Genomics Laboratory, Washington University in St. Louis
Classification: Uncertain significance for Hennekam lymphangiectasia-lymphedema syndrome 2. Last evaluated: 2024-07-19. Review status: criteria provided, single submitter. Criteria: ACMG Guidelines, 2015. Collection method: clinical testing. Allele origin: germline.
Comment: A FAT4 c.14756T>C (p.Leu4919Pro) variant was identified at a near heterozygous allelic fraction of 46.4%, a frequency which may be consistent with it being of germline origin. This variant, to our knowledge, has not been reported in the medical literature. It is only observed on 121/1,614,054 alleles in the general population (gnomAD v.4.1.0), indicating that it is not a common variant. This variant has been reported in the ClinVar database as a germline variant of uncertain significance by one submitter (ClinVar ID: 2078592). Computational predictors are uncertain as to the impact of this variant on FAT4 function. Due to limited information, and based on ACMG/AMP guidelines for variant interpretation (Richards S et al., PMID: 25741868), the clinical significance of the FAT4 c.14756T>C (p.Leu4919Pro) variant is uncertain at this time.

Labcorp Genetics (formerly Invitae), Labcorp
Classification: Uncertain significance. Last evaluated: 2022-06-19. Review status: criteria provided, single submitter. Criteria: Invitae Variant Classification Sherloc (09022015). Collection method: clinical testing. Allele origin: germline.
Comment: This sequence change replaces leucine, which is neutral and non-polar, with proline, which is neutral and non-polar, at codon 4917 of the FAT4 protein (p.Leu4917Pro). This variant is present in population databases (rs140963523, gnomAD 0.009%). This variant has not been reported in the literature in individuals affected with FAT4-related conditions. Advanced modeling of protein sequence and biophysical properties (such as structural, functional, and spatial information, amino acid conservation, physicochemical variation, residue mobility, and thermodynamic stability) performed at Invitae indicates that this missense variant is not expected to disrupt FAT4 protein function. In summary, the available evidence is currently insufficient to determine the role of this variant in disease. Therefore, it has been classified as a Variant of Uncertain Significance.